The following is an entry in ClinVar:

NM_001527.4(HDAC2):c.1222+7T>C

Gene: HDAC2 (histone deacetylase 2; minus strand). Cytogenetic location: 6q21.
Variant type: single nucleotide variant.
Coding change: c.1222+7T>C on transcript NM_001527.4 (MANE Select); 7 bases into the intron after coding-DNA position 1222, T replaced by C.
Molecular consequence: intron variant.
Genome position (GRCh38, 1-based): chr6:113,944,273, A>G on the plus strand (T>C on the coding strand, the complement: HDAC2 is on the minus strand). VCF-style: chr6-113944273-A-G. GRCh37 (hg19) VCF-style: chr6-114265437-A-G.
Identifiers: ClinVar variation 3041136 (VCV003041136.2), dbSNP rs1252367140, ClinGen allele CA817467527.

ClinVar aggregate classification (germline): Likely benign (0 of 4 stars; one submission).

Conditions:
HDAC2-related disorder. Also called: HDAC2-related condition.

Allele frequency attached by ClinVar (database versions not stated): TOPMed 0.00002; gnomAD 0.00003.

Submission:

PreventionGenetics, part of Exact Sciences
Classification: Likely benign for HDAC2-related condition. Last evaluated: 2019-09-13. Review status: no assertion criteria provided. Collection method: clinical testing. Allele origin: germline.
Comment: This variant is classified as likely benign based on ACMG/AMP sequence variant interpretation guidelines (Richards et al. 2015 PMID: 25741868, with internal and published modifications).